The following is an entry in ClinVar:

ClinVar aggregate classification (germline): Likely benign. Review status: criteria provided, multiple submitters, no conflicts (2 of 4 stars). 2 submissions from 2 submitters: Likely benign (2). Last evaluated 2023-07-30.

gnomAD v4.1: 4 of 1,547,938 alleles (0.00026%); highest among the groups gnomAD compares: East Asian, 0.0024%; no homozygotes.

Submissions (2):

Labcorp Genetics (formerly Invitae), Labcorp
Classification: Likely benign. Last evaluated: 2023-07-30. Review status: criteria provided, single submitter. Criteria: Invitae Variant Classification Sherloc (09022015). Collection method: clinical testing. Allele origin: germline.

Laboratory for Molecular Medicine, Mass General Brigham Personalized Medicine
Classification: Likely benign. Last evaluated: 2016-10-06. Review status: criteria provided, single submitter. Criteria: LMM Criteria. Collection method: clinical testing. Allele origin: germline. Observed: 1 variant allele.
Comment: c.1134+12C>G in Intro 8 of LOXHD1: This variant is not expected to have clinic al significance because it is not located within the splice consensus sequence. Data from large population studies are insufficient to assess the frequency of t his variant.

NM_001384474.1(LOXHD1):c.1134+12C>G

Gene: LOXHD1 (lipoxygenase homology PLAT domains 1; minus strand). Cytogenetic location: 18q21.1.
Variant type: single nucleotide variant.
Coding change: c.1134+12C>G on transcript NM_001384474.1 (MANE Select); 12 bases into the intron after coding-DNA position 1134, C replaced by G.
Molecular consequence: intron variant.
Genome position (GRCh38, 1-based): chr18:46,601,205, G>C on the plus strand (C>G on the coding strand, the complement: LOXHD1 is on the minus strand). VCF-style: chr18-46601205-G-C. GRCh37 (hg19) VCF-style: chr18-44181168-G-C.
Other names: c.1134+12C>G (NM_144612.7).
Identifiers: ClinVar variation 505363 (VCV000505363.7), dbSNP rs1555684960, ClinGen allele CA658799047.
Genomic context (GRCh38, chr18:46,601,205, plus strand): 5'-AAAGTTTGTACTTGCAAGTTAAAGAGGAGAGGGGTTGAATCAGGGAAGGCTGTCTCTGGG[G>C]GCATCCCTTACCTTCTCACAGAACCAGCCTCTGTTGACACCCACATTGCCATGCCCGACG-3'